The following is an entry in ClinVar:

ClinVar aggregate classification (germline): Uncertain significance (1 of 4 stars; one submission).

Submission:

CeGaT Center for Human Genetics Tuebingen
Classification: Uncertain significance. Last evaluated: 2022-04-01. Review status: criteria provided, single submitter. Criteria: CeGaT Center For Human Genetics Tuebingen Variant Classification Criteria Version 2. Collection method: clinical testing. Allele origin: germline. Affected: yes. Observed: 1 variant allele.
Comment: TTN: PM2, PVS1:Moderate

NM_001267550.2(TTN):c.38038+1G>A

Gene: TTN (titin; minus strand). Cytogenetic location: 2q31.2.
Variant type: single nucleotide variant.
Coding change: c.38038+1G>A on transcript NM_001267550.2 (MANE Select); the canonical splice donor site of the intron after coding-DNA position 38038, G replaced by A.
Molecular consequence: splice donor variant. On other transcripts: intron variant (5).
Genome position (GRCh38, 1-based): chr2:178,657,497, C>T on the plus strand (G>A on the coding strand, the complement: TTN is on the minus strand). VCF-style: chr2-178657497-C-T. GRCh37 (hg19) VCF-style: chr2-179522224-C-T.
Other names: c.13283-15180G>A (NM_003319.4); c.13859-15180G>A (NM_133437.4); c.13658-15180G>A (NM_133432.3); c.31741+1508G>A (NM_133378.4); c.34522+1508G>A (NM_001256850.1).
Identifiers: ClinVar variation 2651656 (VCV002651656.24), dbSNP rs775167737, ClinGen allele CA349480391.